The following is an entry in ClinVar:

NM_001987.5(ETV6):c.544T>A (p.Ser182Thr)

Gene: ETV6 (ETS variant transcription factor 6; plus strand). Cytogenetic location: 12p13.2.
Variant type: single nucleotide variant.
Coding change: c.544T>A on transcript NM_001987.5 (MANE Select); coding-DNA position 544, T replaced by A.
Protein change: p.Ser182Thr; replaces serine 182 with threonine.
Molecular consequence: missense variant.
Genome position (GRCh38, 1-based): chr12:11,869,504, T>A. VCF-style: chr12-11869504-T-A. GRCh37 (hg19) VCF-style: chr12-12022438-T-A.
Other names: c.541T>A, p.Ser181Thr (NM_001413913.1); c.517T>A, p.Ser173Thr (NM_001413914.1); c.280T>A, p.Ser94Thr (NM_001413915.1); c.544T>A, p.Ser182Thr (NM_001413916.1, NM_001413917.1); short protein forms S181T, S182T, S173T, S94T.
Identifiers: ClinVar variation 4251493 (VCV004251493.1).

ClinVar aggregate classification (germline): Uncertain significance (1 of 4 stars; one submission).

Conditions:
Inborn genetic diseases. Identifiers: MedGen C0950123, MeSH D030342.

Submission:

Ambry Genetics
Classification: Uncertain significance for Inborn genetic diseases. Last evaluated: 2025-08-30. Review status: criteria provided, single submitter. Criteria: Ambry Variant Classification Scheme 2023. Collection method: clinical testing. Allele origin: germline.
Comment: The p.S182T variant (also known as c.544T>A), located in coding exon 5 of the ETV6 gene, results from a T to A substitution at nucleotide position 544. The serine at codon 182 is replaced by threonine, an amino acid with similar properties. This amino acid position is conserved. In addition, this alteration is predicted to be tolerated by in silico analysis. Based on the available evidence, the clinical significance of this variant remains unclear.